The following is an entry in ClinVar:

NM_018419.3(SOX18):c.765_766delinsTT (p.Arg256Trp)

Gene: SOX18 (SRY-box transcription factor 18; minus strand). Cytogenetic location: 20q13.33.
Variant type: Indel.
Coding change: c.765_766delinsTT on transcript NM_018419.3 (MANE Select); coding-DNA positions 765 to 766, GC replaced by TT.
Protein change: p.Arg256Trp; replaces arginine 256 with tryptophan.
Molecular consequence: missense variant.
Genome position (GRCh38, 1-based): chr20:64,048,555-64,048,556, GC replaced by AA on the plus strand (GC replaced by TT on the coding strand, the reverse complement: SOX18 is on the minus strand). VCF-style: chr20-64048555-GC-AA. GRCh37 (hg19) VCF-style: chr20-62679908-GC-AA.
Other names: short protein forms R256W.
Identifiers: ClinVar variation 591902 (VCV000591902.4), dbSNP rs1569234397, ClinGen allele CA891862955.

ClinVar aggregate classification (germline): Uncertain significance. Review status: criteria provided, single submitter (1 of 4 stars). 2 submissions from 2 submitters: Uncertain significance (1). 1 of the submissions does not count toward it. Last evaluated 2023-05-12.

Submissions (2):

Labcorp Genetics (formerly Invitae), Labcorp
Classification: Uncertain significance. Last evaluated: 2023-05-12. Review status: criteria provided, single submitter. Criteria: Invitae Variant Classification Sherloc (09022015). Collection method: clinical testing. Allele origin: germline.
Comment: Information on the frequency of this variant in the gnomAD database is not available, as this variant may be reported differently in the database. In summary, the available evidence is currently insufficient to determine the role of this variant in disease. Therefore, it has been classified as a Variant of Uncertain Significance. Experimental studies and prediction algorithms are not available or were not evaluated, and the functional significance of this variant is currently unknown. ClinVar contains an entry for this variant (Variation ID: 591902). This variant has not been reported in the literature in individuals affected with SOX18-related conditions. This sequence change replaces arginine, which is basic and polar, with tryptophan, which is neutral and slightly polar, at codon 256 of the SOX18 protein (p.Arg256Trp).

Gharavi Laboratory, Columbia University
Classification: Uncertain significance. Last evaluated: 2018-09-16. Review status: no assertion criteria provided. Criteria: ACMG Guidelines, 2015. Collection method: research. Allele origin: germline. Affected: yes. Not counted in ClinVar's aggregate classification.